The following is an entry in ClinVar:

ClinVar aggregate classification (germline): Uncertain significance (1 of 4 stars; one submission).

Submission:

Labcorp Genetics (formerly Invitae), Labcorp
Classification: Uncertain significance. Last evaluated: 2024-01-04. Review status: criteria provided, single submitter. Criteria: Invitae Variant Classification Sherloc (09022015). Collection method: clinical testing. Allele origin: germline.
Comment: This sequence change replaces valine, which is neutral and non-polar, with alanine, which is neutral and non-polar, at codon 333 of the DVL3 protein (p.Val333Ala). This variant is not present in population databases (gnomAD no frequency). This variant has not been reported in the literature in individuals affected with DVL3-related conditions. Advanced modeling of protein sequence and biophysical properties (such as structural, functional, and spatial information, amino acid conservation, physicochemical variation, residue mobility, and thermodynamic stability) performed at Invitae indicates that this missense variant is expected to disrupt DVL3 protein function with a positive predictive value of 80%. In summary, the available evidence is currently insufficient to determine the role of this variant in disease. Therefore, it has been classified as a Variant of Uncertain Significance.

NM_004423.4(DVL3):c.998T>C (p.Val333Ala)

Gene: DVL3 (dishevelled segment polarity protein 3; plus strand). Cytogenetic location: 3q27.1.
Variant type: single nucleotide variant.
Coding change: c.998T>C on transcript NM_004423.4 (MANE Select); coding-DNA position 998, T replaced by C.
Protein change: p.Val333Ala; replaces valine 333 with alanine.
Molecular consequence: missense variant.
Genome position (GRCh38, 1-based): chr3:184,166,623, T>C. VCF-style: chr3-184166623-T-C. GRCh37 (hg19) VCF-style: chr3-183884411-T-C.
Other names: short protein forms V333A.
Identifiers: ClinVar variation 2845944 (VCV002845944.3), dbSNP rs2473700748, ClinGen allele CA355409658.